The following is an entry in ClinVar:

ClinVar aggregate classification (germline): Pathogenic (1 of 4 stars; one submission).

Conditions:
Nemaline myopathy 2 (NEM2). Also called: Nemaline myopathy 2, autosomal recessive. Identifiers: MedGen C1850569, MONDO:0009725, OMIM 256030.

Submission:

Labcorp Genetics (formerly Invitae), Labcorp
Classification: Pathogenic for Nemaline myopathy 2. Last evaluated: 2023-09-18. Review status: criteria provided, single submitter. Criteria: Invitae Variant Classification Sherloc (09022015). Collection method: clinical testing. Allele origin: germline.
Comment: This sequence change creates a premature translational stop signal (p.Thr8241Glnfs*11) in the NEB gene. It is expected to result in an absent or disrupted protein product. Loss-of-function variants in NEB are known to be pathogenic (PMID: 25205138). For these reasons, this variant has been classified as Pathogenic. This variant has not been reported in the literature in individuals affected with NEB-related conditions. This variant is not present in population databases (gnomAD no frequency).

Literature cited by the submitters: PubMed 25205138.

NM_001164508.2(NEB):c.24615_24616insCA (p.Thr8206fs)

Genes: NEB (nebulin; minus strand), RIF1 (replication timing regulatory factor 1; plus strand). Cytogenetic location: 2q23.3.
Variant type: Insertion.
Coding change: c.24615_24616insCA on transcript NM_001164508.2 (MANE Select); coding-DNA positions 24615 to 24616, CA inserted.
Protein change: p.Thr8206fs; shifts the reading frame from threonine 8206.
Molecular consequence: frameshift variant.
Genome position: GRCh38 VCF-style: chr2-151493831-T-TTG. GRCh37 (hg19) VCF-style: chr2-152350345-T-TTG.
Other names: c.24615_24616insCA, p.Thr8206fs (NM_001164507.2); c.24720_24721insCA, p.Thr8241fs (NM_001271208.2); c.19047_19048insCA, p.Thr6350fs (NM_004543.5); short protein forms T8206fs, T6350fs, T8241fs.
Identifiers: ClinVar variation 2761762 (VCV002761762.3), dbSNP rs2551732406, ClinGen allele CA2697551074.
Genomic context (GRCh38, chr2:151,493,831, plus strand): 5'-ATACCGAGCTAAAGTTTTCTTGATTGCGTTTCACTCTTTCCATCTCAGGAGTAAAGGGTG[T>TTG]GGGGGTTGCTTTCCCCAGGTTCTCTTTGTATAACACCTGTGAGATACAAAGTCATGCCCG-3'